The following is an entry in ClinVar:

NM_000350.3(ABCA4):c.4253+1G>A

Gene: ABCA4 (ATP binding cassette subfamily A member 4; minus strand). Cytogenetic location: 1p22.1.
Variant type: single nucleotide variant.
Coding change: c.4253+1G>A on transcript NM_000350.3 (MANE Select); the canonical splice donor site of the intron after coding-DNA position 4253, G replaced by A.
Molecular consequence: splice donor variant.
Genome position (GRCh38, 1-based): chr1:94,030,995, C>T on the plus strand (G>A on the coding strand, the complement: ABCA4 is on the minus strand). VCF-style: chr1-94030995-C-T. GRCh37 (hg19) VCF-style: chr1-94496551-C-T.
Identifiers: ClinVar variation 1466851 (VCV001466851.8), dbSNP rs61750139, ClinGen allele CA341286014.

ClinVar aggregate classification (germline): Likely pathogenic (1 of 4 stars; one submission).

Submission:

Labcorp Genetics (formerly Invitae), Labcorp
Classification: Likely pathogenic. Last evaluated: 2022-12-20. Review status: criteria provided, single submitter. Criteria: Invitae Variant Classification Sherloc (09022015). Collection method: clinical testing. Allele origin: germline.
Comment: This variant is not present in population databases (gnomAD no frequency). In summary, the currently available evidence indicates that the variant is pathogenic, but additional data are needed to prove that conclusively. Therefore, this variant has been classified as Likely Pathogenic. Algorithms developed to predict the effect of sequence changes on RNA splicing suggest that this variant may disrupt the consensus splice site. ClinVar contains an entry for this variant (Variation ID: 1466851). Disruption of this splice site has been observed in individual(s) with cone-rod dystrophy (Invitae). This sequence change affects a donor splice site in intron 28 of the ABCA4 gene. It is expected to disrupt RNA splicing. Variants that disrupt the donor or acceptor splice site typically lead to a loss of protein function (PMID: 16199547), and loss-of-function variants in ABCA4 are known to be pathogenic (PMID: 10958761, 24938718, 25312043, 26780318).

Literature cited by the submitters: PubMed 16199547; PubMed 10958761; PubMed 24938718; PubMed 25312043; PubMed 26780318.